The following is an entry in ClinVar:

ClinVar aggregate classification (germline): Pathogenic (1 of 4 stars; one submission).

Submission:

Labcorp Genetics (formerly Invitae), Labcorp
Classification: Pathogenic. Last evaluated: 2022-09-19. Review status: criteria provided, single submitter. Criteria: Invitae Variant Classification Sherloc (09022015). Collection method: clinical testing. Allele origin: germline.
Comment: This variant is not present in population databases (gnomAD no frequency). This sequence change creates a premature translational stop signal (p.Gln1155*) in the MYO18B gene. It is expected to result in an absent or disrupted protein product. Loss-of-function variants in MYO18B are known to be pathogenic (PMID: 25748484, 32184166, 32637634). This variant has not been reported in the literature in individuals affected with MYO18B-related conditions. For these reasons, this variant has been classified as Pathogenic. ClinVar contains an entry for this variant (Variation ID: 1483109).

Literature cited by the submitters: PubMed 25748484; PubMed 32184166; PubMed 32637634.

NM_032608.7(MYO18B):c.3463C>T (p.Gln1155Ter)

Gene: MYO18B (myosin XVIIIB; plus strand). Cytogenetic location: 22q12.1.
Variant type: single nucleotide variant.
Coding change: c.3463C>T on transcript NM_032608.7 (MANE Select); coding-DNA position 3463, C replaced by T.
Protein change: p.Gln1155Ter; replaces glutamine 1155 with a stop codon.
Molecular consequence: nonsense.
Genome position (GRCh38, 1-based): chr22:25,846,194, C>T. VCF-style: chr22-25846194-C-T. GRCh37 (hg19) VCF-style: chr22-26242161-C-T.
Other names: c.3466C>T, p.Gln1156Ter (NM_001318245.2); short protein forms Q1156*, Q1155*.
Identifiers: ClinVar variation 1483109 (VCV001483109.6), dbSNP rs2146014035, ClinGen allele CA410999267.
Genomic context (GRCh38, chr22:25,846,194, plus strand): 5'-AAGCTGCCTCCTGTGTGCCGGGCTGTGGCAGGCCTGGAGGGCACCTCCCAGCAGGCCCTG[C>T]AGAGGAGCCGCATGGTGAGGAGGACCTTTGCCAGCAGCCTTGCCGCGGTGAGGAGGAAAG-3'